The following is an entry in ClinVar:

ClinVar aggregate classification (germline): Likely pathogenic (1 of 4 stars; one submission).

Conditions:
Congenital prothrombin deficiency. Also called: Factor II deficiency; HYPOPROTHROMBINEMIA; Inherited hypoprothrombinemia; Congenital factor II deficiency; Inherited prothrombin deficiency; Hereditary factor II deficiency disease. Identifiers: Orphanet 325, MedGen C0272317, MONDO:0013361, OMIM 613679.

Submission:

Labcorp Genetics (formerly Invitae), Labcorp
Classification: Likely pathogenic for Congenital prothrombin deficiency. Last evaluated: 2023-08-19. Review status: criteria provided, single submitter. Criteria: Invitae Variant Classification Sherloc (09022015). Collection method: clinical testing. Allele origin: germline.
Comment: This sequence change creates a premature translational stop signal (p.Trp582*) in the F2 gene. While this is not anticipated to result in nonsense mediated decay, it is expected to disrupt the last 41 amino acid(s) of the F2 protein. This variant is not present in population databases (gnomAD no frequency). This variant has not been reported in the literature in individuals affected with F2-related conditions. This variant disrupts the C-terminus of the F2 protein. Other variant(s) that disrupt this region (p.Q584*, p.His605Argfs*13, p.W612*) have been observed in individuals with F2-related conditions (PMID: 8839854, 9890721, 33977210). This suggests that this may be a clinically significant region of the protein. In summary, the currently available evidence indicates that the variant is pathogenic, but additional data are needed to prove that conclusively. Therefore, this variant has been classified as Likely Pathogenic.

Literature cited by the submitters: PubMed 8839854; PubMed 9890721; PubMed 33977210.

NM_000506.5(F2):c.1745G>A (p.Trp582Ter)

Gene: F2 (coagulation factor II, thrombin; plus strand). Cytogenetic location: 11p11.2.
Variant type: single nucleotide variant.
Coding change: c.1745G>A on transcript NM_000506.5 (MANE Select); coding-DNA position 1745, G replaced by A.
Protein change: p.Trp582Ter; replaces tryptophan 582 with a stop codon.
Molecular consequence: nonsense.
Genome position (GRCh38, 1-based): chr11:46,739,284, G>A. VCF-style: chr11-46739284-G-A. GRCh37 (hg19) VCF-style: chr11-46760834-G-A.
Other names: short protein forms W582*.
Identifiers: ClinVar variation 2885128 (VCV002885128.3), dbSNP rs2502855781, ClinGen allele CA380259525.
Genomic context (GRCh38, chr11:46,739,284, plus strand): 5'-TTGAACTTGACTCTATTGGAAACCTCATCTTTCTTCTTCAGAGCCCCTTTAACAACCGCT[G>A]GTATCAAATGGGCATCGTCTCATGGGGTGAAGGCTGTGACCGGGATGGGAAATATGGCTT-3'